The following is an entry in ClinVar:

NM_018847.4(KLHL9):c.36C>T (p.Val12=)

Gene: KLHL9 (kelch like family member 9; minus strand). Cytogenetic location: 9p21.3.
Variant type: single nucleotide variant.
Coding change: c.36C>T on transcript NM_018847.4 (MANE Select); coding-DNA position 36, C replaced by T.
Protein change: p.Val12=; no amino-acid change (valine 12 retained).
Molecular consequence: synonymous variant.
Genome position (GRCh38, 1-based): chr9:21,334,824, G>A on the plus strand (C>T on the coding strand, the complement: KLHL9 is on the minus strand). VCF-style: chr9-21334824-G-A. GRCh37 (hg19) VCF-style: chr9-21334823-G-A.
Identifiers: ClinVar variation 3702393 (VCV003702393.2).
Genomic context (GRCh38, chr9:21,334,824, plus strand): 5'-GTGAGTATTGCTGGTAAAAAAGCGTGTGGTTCCTGCCTTACAAGGCTGCAAATGGGCAGA[G>A]ACGCCCATTTCGCCGTTACCAAGGGACACTTTCATGTGAAAGCTTTCCTCTTGCACAGAG-3'
Protein context (NP_061335.1, residues 2-22): KVSLGNGEMG[Val12=]SAHLQPCKAG

ClinVar aggregate classification (germline): Uncertain significance (1 of 4 stars; one submission).

Submission:

Labcorp Genetics (formerly Invitae), Labcorp
Classification: Uncertain significance. Last evaluated: 2024-12-04. Review status: criteria provided, single submitter. Criteria: Invitae Variant Classification Sherloc (09022015). Collection method: clinical testing. Allele origin: germline.
Comment: This sequence change affects codon 12 of the KLHL9 mRNA. It is a 'silent' change, meaning that it does not change the encoded amino acid sequence of the KLHL9 protein. This variant is present in population databases (no rsID available, gnomAD 0.0009%). This variant has not been reported in the literature in individuals affected with KLHL9-related conditions. In summary, the available evidence is currently insufficient to determine the role of this variant in disease. Therefore, it has been classified as a Variant of Uncertain Significance.